The following is an entry in ClinVar:

NM_001171.6(ABCC6):c.3980G>A (p.Gly1327Glu)

Gene: ABCC6 (ATP binding cassette subfamily C member 6; minus strand). Cytogenetic location: 16p13.11.
Variant type: single nucleotide variant.
Coding change: c.3980G>A on transcript NM_001171.6 (MANE Select); coding-DNA position 3980, G replaced by A.
Protein change: p.Gly1327Glu; replaces glycine 1327 with glutamic acid.
Molecular consequence: missense variant. On other transcripts: non-coding transcript variant (1).
Genome position (GRCh38, 1-based): chr16:16,154,934, C>T on the plus strand (G>A on the coding strand, the complement: ABCC6 is on the minus strand). VCF-style: chr16-16154934-C-T. GRCh37 (hg19) VCF-style: chr16-16248791-C-T.
Other names: p.Gly1327Glu; c.3638G>A, p.Gly1213Glu (NM_001351800.1); short protein forms G1213E, G1327E.
Identifiers: ClinVar variation 775040 (VCV000775040.16), dbSNP rs57695665, ClinGen allele CA7925361.

ClinVar aggregate classification (germline): Benign. Review status: criteria provided, multiple submitters, no conflicts (2 of 4 stars). 5 submissions from 5 submitters: Benign (3). 2 of the submissions do not count toward it. Last evaluated 2026-02-02.

Allele frequency attached by ClinVar (database versions not stated): gnomAD exomes 0.00118; ExAC 0.00197; ESP Exome Variant Server 0.00400; gnomAD 0.00404 and 0.00432; TOPMed 0.00420; 1000 Genomes Project 30x 0.00515; 1000 Genomes Project 0.00539.

Submissions (5):

Labcorp Genetics (formerly Invitae), Labcorp
Classification: Benign. Last evaluated: 2026-02-02. Review status: criteria provided, single submitter. Criteria: Invitae Variant Classification Sherloc (09022015). Collection method: clinical testing. Allele origin: germline.

Mayo Clinic Laboratories, Mayo Clinic
Classification: Benign. Last evaluated: 2024-12-03. Review status: criteria provided, single submitter. Criteria: ACMG Guidelines, 2015. Collection method: clinical testing. Allele origin: germline. Observed: 1 variant allele.
Comment: BS1, BS2, PP3

Breakthrough Genomics
Classification: Benign. Review status: criteria provided, single submitter. Criteria: ACMG Guidelines, 2015. Collection method: not provided. Allele origin: germline. Inheritance: Autosomal recessive inheritance. Affected: yes.

Joint Genome Diagnostic Labs from Nijmegen and Maastricht, Radboudumc and MUMC+
Classification: Benign. Review status: no assertion criteria provided. Collection method: clinical testing. Allele origin: germline. Affected: yes. Study: VKGL Data-share Consensus. Not counted in ClinVar's aggregate classification.

Laboratory of Diagnostic Genome Analysis, Leiden University Medical Center (LUMC)
Classification: Likely benign. Review status: no assertion criteria provided. Collection method: clinical testing. Allele origin: germline. Affected: yes. Study: VKGL Data-share Consensus. Not counted in ClinVar's aggregate classification.